The following is an entry in ClinVar:

ClinVar aggregate classification (germline): Uncertain significance. Review status: criteria provided, multiple submitters, no conflicts (2 of 4 stars). 2 submissions from 2 submitters: Uncertain significance (2). Last evaluated 2023-06-27.

Conditions:
Dystonic disorder. Also called: Dystonia. Identifiers: MedGen C0013421, MONDO:0003441, HP:0001332.
Inborn genetic diseases. Identifiers: MedGen C0950123, MeSH D030342.

Allele frequency attached by ClinVar (database versions not stated): ExAC 0.00002; gnomAD 0.00002 and 0.00003; gnomAD exomes 0.00002 and 0.00003; TOPMed 0.00005; ESP Exome Variant Server 0.00008.
gnomAD v4.1: 21 of 1,612,846 alleles (0.0013%); highest among the groups gnomAD compares: Middle Eastern, 0.049%; no homozygotes.

Submissions (2):

Labcorp Genetics (formerly Invitae), Labcorp
Classification: Uncertain significance for Dystonic disorder. Last evaluated: 2023-06-27. Review status: criteria provided, single submitter. Criteria: Invitae Variant Classification Sherloc (09022015). Collection method: clinical testing. Allele origin: germline.
Comment: In summary, the available evidence is currently insufficient to determine the role of this variant in disease. Therefore, it has been classified as a Variant of Uncertain Significance. Advanced modeling of protein sequence and biophysical properties (such as structural, functional, and spatial information, amino acid conservation, physicochemical variation, residue mobility, and thermodynamic stability) performed at Invitae indicates that this missense variant is not expected to disrupt ANO3 protein function. ClinVar contains an entry for this variant (Variation ID: 1438700). This variant has not been reported in the literature in individuals affected with ANO3-related conditions. This variant is present in population databases (rs376240269, gnomAD 0.02%). This sequence change replaces isoleucine, which is neutral and non-polar, with serine, which is neutral and polar, at codon 927 of the ANO3 protein (p.Ile927Ser).

Ambry Genetics
Classification: Uncertain significance for Inborn genetic diseases. Last evaluated: 2022-11-01. Review status: criteria provided, single submitter. Criteria: Ambry Variant Classification Scheme 2023. Collection method: clinical testing. Allele origin: germline.

NM_031418.4(ANO3):c.2780T>G (p.Ile927Ser)

Gene: ANO3 (anoctamin 3; plus strand). Cytogenetic location: 11p14.2.
Variant type: single nucleotide variant.
Coding change: c.2780T>G on transcript NM_031418.4 (MANE Select); coding-DNA position 2780, T replaced by G.
Protein change: p.Ile927Ser; replaces isoleucine 927 with serine.
Molecular consequence: missense variant.
Genome position (GRCh38, 1-based): chr11:26,660,278, T>G. VCF-style: chr11-26660278-T-G. GRCh37 (hg19) VCF-style: chr11-26681825-T-G.
Other names: c.2963T>G, p.Ile988Ser (NM_001313726.2); c.2342T>G, p.Ile781Ser (NM_001313727.2); c.2780T>G (NM_031418.2); short protein forms I781S, I988S, I927S.
Identifiers: ClinVar variation 1438700 (VCV001438700.9), dbSNP rs376240269, ClinGen allele CA5926617.
Genomic context (GRCh38, chr11:26,660,278, plus strand): 5'-TTCAGAATCTTTGAAAACTGTCCTTTTCACATTTAAATTTGCAGCACCTTGTTTTTGGGA[T>G]TAAGTCATTCATCGCATACCTGATTCCAGACGTACCAAAGGGTCTACATGACCGAATACG-3'
Protein context (NP_113606.2, residues 917-937): IIVFEHLVFG[Ile927Ser]KSFIAYLIPD